The following is an entry in ClinVar:

NM_012233.3(RAB3GAP1):c.2782G>A (p.Val928Met)

Gene: RAB3GAP1 (RAB3 GTPase activating protein catalytic subunit 1; plus strand). Cytogenetic location: 2q21.3.
Variant type: single nucleotide variant.
Coding change: c.2782G>A on transcript NM_012233.3 (MANE Select); coding-DNA position 2782, G replaced by A.
Protein change: p.Val928Met; replaces valine 928 with methionine.
Molecular consequence: missense variant.
Genome position (GRCh38, 1-based): chr2:135,168,617, G>A. VCF-style: chr2-135168617-G-A. GRCh37 (hg19) VCF-style: chr2-135926187-G-A.
Other names: c.2803G>A, p.Val935Met (NM_001172435.2); c.2782G>A (NM_012233.2); short protein forms V935M, V928M.
Identifiers: ClinVar variation 1950498 (VCV001950498.5), dbSNP rs376647431, ClinGen allele CA1885188.

ClinVar aggregate classification (germline): Uncertain significance. Review status: criteria provided, multiple submitters, no conflicts (2 of 4 stars). 2 submissions from 2 submitters: Uncertain significance (2). Last evaluated 2025-09-02.

Conditions:
RAB3GAP1-related disorder. Also called: RAB3GAP1-related condition; RAB3GAP1-related disorders.

Allele frequency attached by ClinVar (database versions not stated): TOPMed 0.00004; ESP Exome Variant Server 0.00008.

Submissions (2):

PreventionGenetics, part of Exact Sciences
Classification: Uncertain significance for RAB3GAP1-related condition. Last evaluated: 2025-09-02. Review status: criteria provided, single submitter. Criteria: ACMG Guidelines, 2015. Collection method: clinical testing. Allele origin: germline.
Comment: The RAB3GAP1 c.2782G>A variant is predicted to result in the amino acid substitution p.Val928Met. To our knowledge, this variant has not been reported in the literature. This variant is present in 0.0087% of alleles in individuals of Latino descent in gnomAD. At this time, the clinical significance of this variant is uncertain due to the absence of conclusive functional and genetic evidence.

Labcorp Genetics (formerly Invitae), Labcorp
Classification: Uncertain significance. Last evaluated: 2024-06-17. Review status: criteria provided, single submitter. Criteria: Invitae Variant Classification Sherloc (09022015). Collection method: clinical testing. Allele origin: germline.
Comment: This sequence change replaces valine, which is neutral and non-polar, with methionine, which is neutral and non-polar, at codon 928 of the RAB3GAP1 protein (p.Val928Met). This variant is present in population databases (rs376647431, gnomAD 0.009%). This variant has not been reported in the literature in individuals affected with RAB3GAP1-related conditions. ClinVar contains an entry for this variant (Variation ID: 1950498). Advanced modeling of protein sequence and biophysical properties (such as structural, functional, and spatial information, amino acid conservation, physicochemical variation, residue mobility, and thermodynamic stability) has been performed at Invitae for this missense variant, however the output from this modeling did not meet the statistical confidence thresholds required to predict the impact of this variant on RAB3GAP1 protein function. In summary, the available evidence is currently insufficient to determine the role of this variant in disease. Therefore, it has been classified as a Variant of Uncertain Significance.